The following is an entry in ClinVar:

ClinVar aggregate classification (germline): Likely pathogenic (1 of 4 stars; one submission).

Conditions:
Dilated cardiomyopathy 1G (CMD1G). Identifiers: Orphanet 154, MedGen C1858763, MONDO:0011400, OMIM 604145.
Autosomal recessive limb-girdle muscular dystrophy type 2J (LGMDR10). Also called: Limb-girdle muscular dystrophy, type 2J; MUSCULAR DYSTROPHY, LIMB-GIRDLE, AUTOSOMAL RECESSIVE 10. Identifiers: Orphanet 140922, MedGen C1837342, MONDO:0012127, OMIM 608807.

Submission:

Labcorp Genetics (formerly Invitae), Labcorp
Classification: Likely pathogenic for Dilated cardiomyopathy 1G; Autosomal recessive limb-girdle muscular dystrophy type 2J. Last evaluated: 2022-03-22. Review status: criteria provided, single submitter. Criteria: Invitae Variant Classification Sherloc (09022015). Collection method: clinical testing. Allele origin: germline.
Comment: This variant has not been reported in the literature in individuals affected with TTN-related conditions. This variant is not present in population databases (gnomAD no frequency). This sequence change creates a premature translational stop signal (p.Glu27616Glyfs*17) in the TTN gene. While this is not anticipated to result in nonsense mediated decay, it is expected to create a truncated TTN protein. This variant is located in the A band of TTN (PMID: 25589632). Truncating variants in this region are significantly overrepresented in patients affected with dilated cardiomyopathy (PMID: 25589632). Truncating variants in this region have also been reported in individuals affected with autosomal recessive centronuclear myopathy (PMID: 23975875). In summary, the currently available evidence indicates that the variant is pathogenic, but additional data are needed to prove that conclusively. Therefore, this variant has been classified as Likely Pathogenic.

Literature cited by the submitters: PubMed 25589632; PubMed 23975875.

NM_001267550.2(TTN):c.82847_82850del (p.Glu27616fs)

Genes: TTN (titin; minus strand), TTN-AS1 (TTN antisense RNA 1; plus strand). Cytogenetic location: 2q31.2.
Variant type: Deletion.
Coding change: c.82847_82850del on transcript NM_001267550.2 (MANE Select); coding-DNA positions 82847 to 82850, 4 bases deleted (AATG; older notation c.82847_82850delAATG).
Protein change: p.Glu27616fs; shifts the reading frame from glutamic acid 27616.
Molecular consequence: frameshift variant.
Genome position (GRCh38, 1-based): chr2:178,563,282-178,563,285, CATT deleted on the plus strand (AATG on the coding strand, the reverse complement: TTN is on the minus strand); deleting any 4 consecutive bases within chr2:178,563,282-178,563,288 gives the same sequence; the c. name uses the placement nearest the transcript's 3' end. VCF-style (leftmost placement, unchanged base first): chr2-178563281-CCATT-C. GRCh37 (hg19) VCF-style: chr2-179428008-CCATT-C.
Other names: c.77924_77927del, p.Glu25975fs (NM_001256850.1); c.55652_55655del, p.Glu18551fs (NM_003319.4); c.75143_75146del, p.Glu25048fs (NM_133378.4); c.56027_56030del, p.Glu18676fs (NM_133432.3); c.56228_56231del, p.Glu18743fs (NM_133437.4); short protein forms E18676fs, E18551fs, E18743fs, E25048fs, E25975fs, E27616fs.
Identifiers: ClinVar variation 1520577 (VCV001520577.4), dbSNP rs2154161251, ClinGen allele CA2573134104.